The following is an entry in ClinVar:

NM_020738.4(KIDINS220):c.3589T>C (p.Ser1197Pro)

Gene: KIDINS220 (kinase D interacting substrate 220; minus strand). Cytogenetic location: 2p25.1.
Variant type: single nucleotide variant.
Coding change: c.3589T>C on transcript NM_020738.4 (MANE Select); coding-DNA position 3589, T replaced by C.
Protein change: p.Ser1197Pro; replaces serine 1197 with proline.
Molecular consequence: missense variant. On other transcripts: non-coding transcript variant (2).
Genome position (GRCh38, 1-based): chr2:8,736,996, A>G on the plus strand (T>C on the coding strand, the complement: KIDINS220 is on the minus strand). VCF-style: chr2-8736996-A-G. GRCh37 (hg19) VCF-style: chr2-8877126-A-G.
Other names: c.3592T>C, p.Ser1198Pro (NM_001348729.2); c.3535T>C, p.Ser1179Pro (NM_001348731.2); c.3532T>C, p.Ser1178Pro (NM_001348732.2, NM_001348738.2); c.3421T>C, p.Ser1141Pro (NM_001348734.2, NM_001348739.2, NM_001348740.2); c.3418T>C, p.Ser1140Pro (NM_001348735.2, NM_001348741.2, NM_001348742.2 and 1 more transcripts); c.3292T>C, p.Ser1098Pro (NM_001348736.2); short protein forms S1098P, S1141P, S1178P, S1197P, S1140P, S1179P, S1198P.
Identifiers: ClinVar variation 4996851 (VCV004996851.1).

ClinVar aggregate classification (germline): Uncertain significance (1 of 4 stars; one submission).

Conditions:
KIDINS220-related disorder. Also called: KIDINS220-related condition.

gnomAD v4.1: 9 of 1,614,030 alleles (0.00056%); highest among the groups gnomAD compares: Middle Eastern, 0.016%; no homozygotes.

Submission:

PreventionGenetics, part of Exact Sciences
Classification: Uncertain significance for KIDINS220-related condition. Last evaluated: 2025-07-23. Review status: criteria provided, single submitter. Criteria: ACMG Guidelines, 2015. Collection method: clinical testing. Allele origin: germline.
Comment: The KIDINS220 c.3589T>C variant is predicted to result in the amino acid substitution p.Ser1197Pro. To our knowledge, this variant has not been reported in the literature. This variant is reported in 0.0033% of alleles in individuals of South Asian descent in gnomAD. At this time, the clinical significance of this variant is uncertain due to the absence of conclusive functional and genetic evidence.